The following is an entry in ClinVar:

ClinVar aggregate classification (germline): Uncertain significance (1 of 4 stars; one submission).

Conditions:
Charcot-Marie-Tooth disease axonal type 2O. Also called: Charcot-Marie-Tooth disease, axonal, type 20; CHARCOT-MARIE-TOOTH NEUROPATHY, AXONAL, TYPE 2O; CHARCOT-MARIE-TOOTH DISEASE, AXONAL, AUTOSOMAL DOMINANT, TYPE 2O; Charcot-Marie-Tooth Neuropathy Type 2O. Identifiers: Orphanet 284232, MedGen C3280220, MONDO:0013644, OMIM 614228.

Submission:

Labcorp Genetics (formerly Invitae), Labcorp
Classification: Uncertain significance for Charcot-Marie-Tooth disease axonal type 2O. Last evaluated: 2024-07-23. Review status: criteria provided, single submitter. Criteria: Invitae Variant Classification Sherloc (09022015). Collection method: clinical testing. Allele origin: germline.
Comment: This sequence change replaces isoleucine, which is neutral and non-polar, with threonine, which is neutral and polar, at codon 648 of the DYNC1H1 protein (p.Ile648Thr). This variant is not present in population databases (gnomAD no frequency). This variant has not been reported in the literature in individuals affected with DYNC1H1-related conditions. Advanced modeling of protein sequence and biophysical properties (such as structural, functional, and spatial information, amino acid conservation, physicochemical variation, residue mobility, and thermodynamic stability) performed at Invitae indicates that this missense variant is expected to disrupt DYNC1H1 protein function with a positive predictive value of 95%. In summary, the available evidence is currently insufficient to determine the role of this variant in disease. Therefore, it has been classified as a Variant of Uncertain Significance.

NM_001376.5(DYNC1H1):c.1943T>C (p.Ile648Thr)

Gene: DYNC1H1 (dynein cytoplasmic 1 heavy chain 1; plus strand). Cytogenetic location: 14q32.31.
Variant type: single nucleotide variant.
Coding change: c.1943T>C on transcript NM_001376.5 (MANE Select); coding-DNA position 1943, T replaced by C.
Protein change: p.Ile648Thr; replaces isoleucine 648 with threonine.
Molecular consequence: missense variant.
Genome position (GRCh38, 1-based): chr14:101,986,168, T>C. VCF-style: chr14-101986168-T-C. GRCh37 (hg19) VCF-style: chr14-102452505-T-C.
Other names: short protein forms I648T.
Identifiers: ClinVar variation 3636121 (VCV003636121.2).